The following is an entry in ClinVar:

NM_000170.3(GLDC):c.307dup (p.Arg103fs)

Gene: GLDC (glycine decarboxylase; minus strand). Cytogenetic location: 9p24.1.
Variant type: Duplication.
Coding change: c.307dup on transcript NM_000170.3 (MANE Select); coding-DNA position 307, one base duplicated (A; older notation c.307dupA).
Protein change: p.Arg103fs; shifts the reading frame from arginine 103.
Molecular consequence: frameshift variant.
Genome position (GRCh38, 1-based): chr9:6,644,641, T duplicated on the plus strand (A on the coding strand, the reverse complement: GLDC is on the minus strand); the first of 4 consecutive T bases (chr9:6,644,641-6,644,644); duplicating any one gives the same sequence. VCF-style (leftmost placement, unchanged base first): chr9-6644640-C-CT. GRCh37 (hg19) VCF-style: chr9-6644640-C-CT.
Other names: short protein forms R103fs.
Identifiers: ClinVar variation 1433713 (VCV001433713.6), dbSNP rs2130029302, ClinGen allele CA2573144470.

ClinVar aggregate classification (germline): Pathogenic (1 of 4 stars; one submission).

Conditions:
Glycine encephalopathy. Also called: Non-ketotic hyperglycinemia; Nonketotic hyperglycinemia. Identifiers: Orphanet 407, MedGen C0751748, MONDO:0011612, HP:0008288.

Submission:

Labcorp Genetics (formerly Invitae), Labcorp
Classification: Pathogenic for Glycine encephalopathy. Last evaluated: 2022-02-04. Review status: criteria provided, single submitter. Criteria: Invitae Variant Classification Sherloc (09022015). Collection method: clinical testing. Allele origin: germline.
Comment: This sequence change creates a premature translational stop signal (p.Arg103Lysfs*11) in the GLDC gene. It is expected to result in an absent or disrupted protein product. Loss-of-function variants in GLDC are known to be pathogenic (PMID: 16601880). This variant is not present in population databases (gnomAD no frequency). This variant has not been reported in the literature in individuals affected with GLDC-related conditions. For these reasons, this variant has been classified as Pathogenic.

Literature cited by the submitters: PubMed 16601880.